The following is an entry in ClinVar:

NM_020822.3(KCNT1):c.3587+20T>G

Gene: KCNT1 (potassium sodium-activated channel subfamily T member 1; plus strand). Cytogenetic location: 9q34.3.
Variant type: single nucleotide variant.
Coding change: c.3587+20T>G on transcript NM_020822.3 (MANE Select); 20 bases into the intron after coding-DNA position 3587, T replaced by G.
Molecular consequence: intron variant.
Genome position (GRCh38, 1-based): chr9:135,791,901, T>G. VCF-style: chr9-135791901-T-G. GRCh37 (hg19) VCF-style: chr9-138683747-T-G.
Other names: c.3515+20T>G (NM_001272003.2).
Identifiers: ClinVar variation 386479 (VCV000386479.1), dbSNP rs374412920, ClinGen allele CA5327957.
Genomic context (GRCh38, chr9:135,791,901, plus strand): 5'-AACCCTCCGCCCGACACGAGGCTGGAGCCCAGTGACATTGTGTGAGTAGCACCTGTGGGC[T>G]GTGTGGAGACCCCCCCTGAGCACCAGGTGGGCACTGGGGAGATGAGGCCACAGGCACCAC-3'

ClinVar aggregate classification (germline): Likely benign (1 of 4 stars; one submission).

Allele frequency attached by ClinVar (database versions not stated): TOPMed 0.00001; ESP Exome Variant Server 0.00008; gnomAD exomes below 0.00001; ExAC 0.00001.
gnomAD v4.1: 1 of 1,612,382 alleles (0.000062%); highest among the groups gnomAD compares: Non-Finnish European, 0.000085%; no homozygotes.

Submission:

GeneDx
Classification: Likely benign. Last evaluated: 2016-05-31. Review status: criteria provided, single submitter. Criteria: GeneDx Variant Classification (06012015). Collection method: clinical testing. Allele origin: germline. Affected: yes.
Comment: This variant is considered likely benign or benign based on one or more of the following criteria: it is a conservative change, it occurs at a poorly conserved position in the protein, it is predicted to be benign by multiple in silico algorithms, and/or has population frequency not consistent with disease.